The following is an entry in ClinVar:

NM_001018115.3(FANCD2):c.1883_1884dup (p.Ala629fs)

Genes: FANCD2 (FA complementation group D2; plus strand), LOC107303338 (3p25 FANCD2 Alu-mediated recombination region; plus strand). Cytogenetic location: 3p25.3.
Variant type: Microsatellite.
Coding change: c.1883_1884dup on transcript NM_001018115.3 (MANE Select); coding-DNA positions 1883 to 1884, 2 bases duplicated (CT; older notation c.1883_1884dupCT).
Protein change: p.Ala629fs; shifts the reading frame from alanine 629.
Molecular consequence: frameshift variant.
Genome position (GRCh38, 1-based): chr3:10,063,847-10,063,848, CT duplicated; duplicating any 2 consecutive bases within chr3:10,063,845-10,063,848 gives the same sequence; the c. name uses the placement nearest the transcript's 3' end. VCF-style (leftmost placement, unchanged base first): chr3-10063844-C-CCT. GRCh37 (hg19) VCF-style: chr3-10105528-C-CCT.
Other names: c.1883_1884dup, p.Ala629fs (NM_001319984.2, NM_001374254.1, NM_033084.6); c.1772_1773dup, p.Ala592fs (NM_001374253.1); short protein forms A592fs, A629fs.
Identifiers: ClinVar variation 1076243 (VCV001076243.7), dbSNP rs757567225, ClinGen allele CA2249859.

ClinVar aggregate classification (germline): Pathogenic/Likely pathogenic. Review status: criteria provided, multiple submitters, no conflicts (2 of 4 stars). 2 submissions from 2 submitters: Pathogenic (1); Likely pathogenic (1). Last evaluated 2023-12-27.

Conditions:
Fanconi anemia (FA). Also called: Fanconi's anemia. Identifiers: Orphanet 84, MedGen C0015625, MeSH D005199, MONDO:0019391.
Fanconi anemia complementation group D2. Also called: FANCONI PANCYTOPENIA, TYPE 4; FANCONI ANEMIA, COMPLEMENTATION GROUP D; FANCD2-Related Fanconi Anemia. Identifiers: Orphanet 84, MedGen C3160738, MONDO:0009214, OMIM 227646.

Submissions (2):

Baylor Genetics
Classification: Likely pathogenic for Fanconi anemia complementation group D2. Last evaluated: 2023-12-27. Review status: criteria provided, single submitter. Criteria: ACMG Guidelines, 2015. Collection method: clinical testing. Allele origin: unknown.

Labcorp Genetics (formerly Invitae), Labcorp
Classification: Pathogenic for Fanconi anemia. Last evaluated: 2020-05-23. Review status: criteria provided, single submitter. Criteria: Invitae Variant Classification Sherloc (09022015). Collection method: clinical testing. Allele origin: germline.
Comment: This sequence change creates a premature translational stop signal (p.Ala629Leufs*11) in the FANCD2 gene. It is expected to result in an absent or disrupted protein product. The frequency data for this variant in the population databases is considered unreliable, as metrics indicate poor data quality at this position in the ExAC database. This variant has not been reported in the literature in individuals with FANCD2-related conditions. Loss-of-function variants in FANCD2 are known to be pathogenic (PMID: 17436244). For these reasons, this variant has been classified as Pathogenic.

Literature cited by the submitters: PubMed 17436244 (cited by Labcorp Genetics (formerly Invitae), Labcorp).